The following is an entry in ClinVar:

NM_006767.4(LZTR1):c.1682G>A (p.Arg561His)

Gene: LZTR1 (leucine zipper like post translational regulator 1; plus strand). Cytogenetic location: 22q11.21.
Variant type: single nucleotide variant.
Coding change: c.1682G>A on transcript NM_006767.4 (MANE Select); coding-DNA position 1682, G replaced by A.
Protein change: p.Arg561His; replaces arginine 561 with histidine.
Molecular consequence: missense variant.
Genome position (GRCh38, 1-based): chr22:20,994,624, G>A. VCF-style: chr22-20994624-G-A. GRCh37 (hg19) VCF-style: chr22-21348913-G-A.
Other names: short protein forms R561H.
Identifiers: ClinVar variation 1685373 (VCV001685373.11), dbSNP rs970027059, ClinGen allele CA322269732.

ClinVar aggregate classification (germline): Conflicting classifications of pathogenicity. Review status: criteria provided, conflicting classifications (1 of 4 stars). 5 submissions from 5 submitters: Likely pathogenic (1); Uncertain significance (4). Last evaluated 2026-01-16.

Conditions:
Cardiovascular phenotype. Identifiers: MedGen CN230736.
Hereditary cancer-predisposing syndrome. Also called: Neoplastic Syndromes, Hereditary; Hereditary neoplastic syndrome; Hereditary Cancer Syndrome; Tumor predisposition. Identifiers: Orphanet 140162, MedGen C0027672, MeSH D009386, MONDO:0015356.
LZTR1-related disorder. Also called: LZTR1-related disorders; LZTR1-related condition.
Noonan syndrome 2 (NS2). Identifiers: Orphanet 648, MedGen C1854469, MONDO:0011531, OMIM 605275.
LZTR1-related schwannomatosis. Also called: Schwannomatosis 2; Schwannomatosis-2, susceptibility to. Identifiers: Orphanet 93921, MedGen C3810283, MONDO:0014299, OMIM 615670.

Submissions (5):

Labcorp Genetics (formerly Invitae), Labcorp
Classification: Uncertain significance. Last evaluated: 2026-01-16. Review status: criteria provided, single submitter. Criteria: Invitae Variant Classification Sherloc (09022015). Collection method: clinical testing. Allele origin: germline.
Comment: This sequence change replaces arginine, which is basic and polar, with histidine, which is basic and polar, at codon 561 of the LZTR1 protein (p.Arg561His). This variant is not present in population databases (gnomAD no frequency). This variant has not been reported in the literature in individuals affected with LZTR1-related conditions. ClinVar contains an entry for this variant (Variation ID: 1685373). Invitae Evidence Modeling of protein sequence and biophysical properties (such as structural, functional, and spatial information, amino acid conservation, physicochemical variation, residue mobility, and thermodynamic stability) indicates that this missense variant is not expected to disrupt LZTR1 protein function with a negative predictive value of 80%. In summary, the available evidence is currently insufficient to determine the role of this variant in disease. Therefore, it has been classified as a Variant of Uncertain Significance.

PreventionGenetics, part of Exact Sciences
Classification: Uncertain significance for LZTR1-related condition. Last evaluated: 2025-03-28. Review status: criteria provided, single submitter. Criteria: ACMG Guidelines, 2015. Collection method: clinical testing. Allele origin: germline.
Comment: The LZTR1 c.1682G>A variant is predicted to result in the amino acid substitution p.Arg561His. To our knowledge, this variant has not been reported in the literature or in a large population database (gnomAD), indicating this variant is rare. At this time, the clinical significance of this variant is uncertain due to the absence of conclusive functional and genetic evidence.

Ambry Genetics
Classification: Uncertain significance for Cardiovascular phenotype; Hereditary cancer-predisposing syndrome. Last evaluated: 2024-11-21. Review status: criteria provided, single submitter. Criteria: Ambry Variant Classification Scheme 2023. Collection method: clinical testing. Allele origin: germline.
Comment: The p.R561H variant (also known as c.1682G>A), located in coding exon 15 of the LZTR1 gene, results from a G to A substitution at nucleotide position 1682. The arginine at codon 561 is replaced by histidine, an amino acid with highly similar properties. This amino acid position is highly conserved in available vertebrate species. In addition, the in silico prediction for this alteration is inconclusive. Based on the available evidence, the clinical significance of this variant remains unclear.

Baylor Genetics
Classification: Uncertain significance for LZTR1-related schwannomatosis. Last evaluated: 2024-03-21. Review status: criteria provided, single submitter. Criteria: ACMG Guidelines, 2015. Collection method: clinical testing. Allele origin: unknown.

Mendelics
Classification: Likely pathogenic for Noonan syndrome 2. Last evaluated: 2022-05-04. Review status: criteria provided, single submitter. Criteria: Mendelics Assertion Criteria 2019. Collection method: clinical testing. Allele origin: germline.